The following is an entry in ClinVar:

ClinVar aggregate classification (germline): Likely benign. Review status: criteria provided, multiple submitters, no conflicts (2 of 4 stars). 2 submissions from 2 submitters: Likely benign (2). Last evaluated 2023-10-23.

Conditions:
Bethlem myopathy 1A. Also called: MYOPATHY, BENIGN CONGENITAL, WITH CONTRACTURES; Bethlem myopathy 1; Bethlem Muscular Dystrophy. Identifiers: Orphanet 610, MedGen CN029274, MONDO:0024530, OMIM 158810.

Allele frequency attached by ClinVar (database versions not stated): gnomAD exomes 0.00001; ExAC 0.00002.
gnomAD v4.1: 19 of 1,612,842 alleles (0.0012%); highest among the groups gnomAD compares: East Asian, 0.0022%; no homozygotes.

Submissions (2):

Labcorp Genetics (formerly Invitae), Labcorp
Classification: Likely benign for Bethlem myopathy 1A. Last evaluated: 2023-10-23. Review status: criteria provided, single submitter. Criteria: Invitae Variant Classification Sherloc (09022015). Collection method: clinical testing. Allele origin: germline.

GeneDx
Classification: Likely benign. Last evaluated: 2017-07-31. Review status: criteria provided, single submitter. Criteria: GeneDx Variant Classification (06012015). Collection method: clinical testing. Allele origin: germline. Affected: yes.
Comment: This variant is considered likely benign or benign based on one or more of the following criteria: it is a conservative change, it occurs at a poorly conserved position in the protein, it is predicted to be benign by multiple in silico algorithms, and/or has population frequency not consistent with disease.

NM_001849.4(COL6A2):c.1476C>T (p.Pro492=)

Gene: COL6A2 (collagen type VI alpha 2 chain; plus strand). Cytogenetic location: 21q22.3.
Variant type: single nucleotide variant.
Coding change: c.1476C>T on transcript NM_001849.4 (MANE Select); coding-DNA position 1476, C replaced by T.
Protein change: p.Pro492=; no amino-acid change (proline 492 retained).
Molecular consequence: synonymous variant.
Genome position (GRCh38, 1-based): chr21:46,121,573, C>T. VCF-style: chr21-46121573-C-T. GRCh37 (hg19) VCF-style: chr21-47541487-C-T.
Other names: c.1476C>T, p.Pro492= (NM_058174.3, NM_058175.3).
Identifiers: ClinVar variation 511098 (VCV000511098.7), dbSNP rs772436808, ClinGen allele CA10071914.